The following is an entry in ClinVar:

NM_018136.5(ASPM):c.6548dup (p.Arg2184fs)

Gene: ASPM (assembly factor for spindle microtubules; minus strand). Cytogenetic location: 1q31.3.
Variant type: Duplication.
Coding change: c.6548dup on transcript NM_018136.5 (MANE Select); coding-DNA position 6548, one base duplicated (G; older notation c.6548dupG).
Protein change: p.Arg2184fs; shifts the reading frame from arginine 2184.
Molecular consequence: frameshift variant. On other transcripts: intron variant (1).
Genome position (GRCh38, 1-based): chr1:197,102,703, C duplicated on the plus strand (G on the coding strand, the reverse complement: ASPM is on the minus strand). VCF-style (leftmost placement, unchanged base first): chr1-197102702-T-TC. GRCh37 (hg19) VCF-style: chr1-197071832-T-TC.
Other names: c.4066-6539dup (NM_001206846.2); short protein forms R2184fs.
Identifiers: ClinVar variation 2690545 (VCV002690545.3), dbSNP rs1557946448, ClinGen allele CA916374711.

ClinVar aggregate classification (germline): Pathogenic/Likely pathogenic. Review status: criteria provided, multiple submitters, no conflicts (2 of 4 stars). 2 submissions from 2 submitters: Pathogenic (1); Likely pathogenic (1). Last evaluated 2025-11-23.

Conditions:
Microcephaly 5, primary, autosomal recessive (MCPH5). Also called: ASPM Primary Microcephaly. Identifiers: Orphanet 2512, MedGen C1837501, MONDO:0012106, OMIM 608716.

Allele frequency attached by ClinVar (database versions not stated): gnomAD exomes below 0.00001; TOPMed below 0.00001; gnomAD 0.00001.

Submissions (2):

Labcorp Genetics (formerly Invitae), Labcorp
Classification: Pathogenic. Last evaluated: 2025-11-23. Review status: criteria provided, single submitter. Criteria: Invitae Variant Classification Sherloc (09022015). Collection method: clinical testing. Allele origin: germline.
Comment: This sequence change creates a premature translational stop signal (p.Arg2184Thrfs*4) in the ASPM gene. It is expected to result in an absent or disrupted protein product. Loss-of-function variants in ASPM are known to be pathogenic (PMID: 19028728, 23611254). This variant is not present in population databases (gnomAD no frequency). This variant has not been reported in the literature in individuals affected with ASPM-related conditions. ClinVar contains an entry for this variant (Variation ID: 2690545). For these reasons, this variant has been classified as Pathogenic.

Revvity Omics, Revvity
Classification: Likely pathogenic for Microcephaly 5, primary, autosomal recessive. Last evaluated: 2023-08-06. Review status: criteria provided, single submitter. Criteria: ACMG Guidelines, 2015. Collection method: clinical testing. Allele origin: germline.

Literature cited by the submitters: PubMed 19028728 (cited by Labcorp Genetics (formerly Invitae), Labcorp); PubMed 23611254 (cited by Labcorp Genetics (formerly Invitae), Labcorp).